The following is an entry in ClinVar:

NM_001005388.3(NFASC):c.2958C>T (p.Ala986=)

Gene: NFASC (neurofascin; plus strand). Cytogenetic location: 1q32.1.
Variant type: single nucleotide variant.
Coding change: c.2958C>T on transcript NM_001005388.3 (MANE Select); coding-DNA position 2958, C replaced by T.
Protein change: p.Ala986=; no amino-acid change (alanine 986 retained).
Molecular consequence: synonymous variant. On other transcripts: intron variant (4).
Genome position (GRCh38, 1-based): chr1:204,997,345, C>T. VCF-style: chr1-204997345-C-T. GRCh37 (hg19) VCF-style: chr1-204966473-C-T.
Other names: c.3279C>T, p.Ala1093= (NM_001378329.1); c.3091+6039C>T (NM_001160332.2); c.3076+8539C>T (NM_015090.4); c.2755+8539C>T (NM_001365986.1); c.3136+6039C>T (NM_001160331.2).
Identifiers: ClinVar variation 3057687 (VCV003057687.2), dbSNP rs775692003, ClinGen allele CA1350574.

ClinVar aggregate classification (germline): Likely benign (0 of 4 stars; one submission).

Conditions:
NFASC-related disorder. Also called: NFASC-related condition.

Allele frequency attached by ClinVar (database versions not stated): gnomAD 0.00001; TOPMed 0.00003; ExAC 0.00004; gnomAD exomes 0.00005.
gnomAD v4.1: 66 of 1,562,036 alleles (0.0042%); highest among the groups gnomAD compares: South Asian, 0.0058%; 1 homozygote.

Submission:

PreventionGenetics, part of Exact Sciences
Classification: Likely benign for NFASC-related condition. Last evaluated: 2019-04-08. Review status: no assertion criteria provided. Collection method: clinical testing. Allele origin: germline.
Comment: This variant is classified as likely benign based on ACMG/AMP sequence variant interpretation guidelines (Richards et al. 2015 PMID: 25741868, with internal and published modifications).